The following is an entry in ClinVar:

NM_001267550.2(TTN):c.39296-10G>A

Gene: TTN (titin; minus strand). Cytogenetic location: 2q31.2.
Variant type: single nucleotide variant.
Coding change: c.39296-10G>A on transcript NM_001267550.2 (MANE Select); 10 bases into the intron before coding-DNA position 39296, G replaced by A.
Molecular consequence: intron variant.
Genome position (GRCh38, 1-based): chr2:178,651,977, C>T on the plus strand (G>A on the coding strand, the complement: TTN is on the minus strand). VCF-style: chr2-178651977-C-T. GRCh37 (hg19) VCF-style: chr2-179516704-C-T.
Other names: c.13283-9660G>A (NM_003319.4); c.13859-9660G>A (NM_133437.4); c.13658-9660G>A (NM_133432.3); c.31994-10G>A (NM_133378.4); c.34775-10G>A (NM_001256850.1).
Identifiers: ClinVar variation 4682167 (VCV004682167.1).
Genomic context (GRCh38, chr2:178,651,977, plus strand): 5'-CAACTTCAGCAGGAGGCTCTTCTAGGGCAACTTCCTCAGGCTCCTCGAACACTTTAAAGA[C>T]ATGAGCTCATTTTAATGCCAGAATTGACTAAAACTGAGATAGTTTGCAAAAAAATGTTTT-3'

ClinVar aggregate classification (germline): Uncertain significance (1 of 4 stars; one submission).

Submission:

Athena Diagnostics
Classification: Uncertain significance. Last evaluated: 2025-05-09. Review status: criteria provided, single submitter. Criteria: Athena Diagnostics Criteria. Collection method: clinical testing. Allele origin: unknown.
Comment: Available data are insufficient to determine the clinical significance of the variant at this time. This variant has not been reported in large, multi-ethnic general populations. Computational tools yielded predictions that this variant is unlikely to have an effect on normal RNA splicing.